The following is an entry in ClinVar:

ClinVar aggregate classification (germline): Uncertain significance. Review status: criteria provided, multiple submitters, no conflicts (2 of 4 stars). 3 submissions from 3 submitters: Uncertain significance (3). Last evaluated 2023-12-05.

Conditions:
Gorlin syndrome. Also called: Nevoid Basal Cell Carcinoma Syndrome; Basal cell nevus syndrome. Identifiers: Orphanet 377, MedGen C0004779, MONDO:0007187.
Hereditary cancer-predisposing syndrome. Also called: Tumor predisposition; Hereditary Cancer Syndrome; Neoplastic Syndromes, Hereditary; Hereditary neoplastic syndrome. Identifiers: Orphanet 140162, MedGen C0027672, MeSH D009386, MONDO:0015356.

Allele frequency attached by ClinVar (database versions not stated): gnomAD exomes below 0.00001.
gnomAD v4.1: 4 of 1,614,028 alleles (0.00025%); highest among the groups gnomAD compares: Middle Eastern, 0.017%; no homozygotes.

Submissions (3):

Ambry Genetics
Classification: Uncertain significance for Hereditary cancer-predisposing syndrome. Last evaluated: 2023-12-05. Review status: criteria provided, single submitter. Criteria: Ambry Variant Classification Scheme 2023. Collection method: clinical testing. Allele origin: germline.
Comment: The p.Y955F variant (also known as c.2864A>T), located in coding exon 17 of the PTCH1 gene, results from an A to T substitution at nucleotide position 2864. The tyrosine at codon 955 is replaced by phenylalanine, an amino acid with highly similar properties. This amino acid position is well conserved in available vertebrate species. In addition, the in silico prediction for this alteration is inconclusive. Since supporting evidence is limited at this time, the clinical significance of this alteration remains unclear.

Labcorp Genetics (formerly Invitae), Labcorp
Classification: Uncertain significance for Gorlin syndrome. Last evaluated: 2023-09-03. Review status: criteria provided, single submitter. Criteria: Invitae Variant Classification Sherloc (09022015). Collection method: clinical testing. Allele origin: germline.
Comment: In summary, the available evidence is currently insufficient to determine the role of this variant in disease. Therefore, it has been classified as a Variant of Uncertain Significance. Advanced modeling of protein sequence and biophysical properties (such as structural, functional, and spatial information, amino acid conservation, physicochemical variation, residue mobility, and thermodynamic stability) performed at Invitae indicates that this missense variant is not expected to disrupt PTCH1 protein function. ClinVar contains an entry for this variant (Variation ID: 1017754). This variant has not been reported in the literature in individuals affected with PTCH1-related conditions. This variant is not present in population databases (gnomAD no frequency). This sequence change replaces tyrosine, which is neutral and polar, with phenylalanine, which is neutral and non-polar, at codon 955 of the PTCH1 protein (p.Tyr955Phe).

GeneDx
Classification: Uncertain significance. Last evaluated: 2023-04-16. Review status: criteria provided, single submitter. Criteria: GeneDx Variant Classification Process June 2021. Collection method: clinical testing. Allele origin: germline. Affected: yes.
Comment: Not observed at significant frequency in large population cohorts (gnomAD); In silico analysis supports that this missense variant does not alter protein structure/function; Has not been previously published as pathogenic or benign to our knowledge; This variant is associated with the following publications: (PMID: 8906794)

NM_000264.5(PTCH1):c.2864A>T (p.Tyr955Phe)

Gene: PTCH1 (patched 1; minus strand). Cytogenetic location: 9q22.32.
Variant type: single nucleotide variant.
Coding change: c.2864A>T on transcript NM_000264.5 (MANE Select); coding-DNA position 2864, A replaced by T.
Protein change: p.Tyr955Phe; replaces tyrosine 955 with phenylalanine.
Molecular consequence: missense variant. On other transcripts: non-coding transcript variant (1).
Genome position (GRCh38, 1-based): chr9:95,459,623, T>A on the plus strand (A>T on the coding strand, the complement: PTCH1 is on the minus strand). VCF-style: chr9-95459623-T-A. GRCh37 (hg19) VCF-style: chr9-98221905-T-A.
Other names: c.2411A>T, p.Tyr804Phe (NM_001083605.3, NM_001083606.3, NM_001083607.3 and 1 more transcripts); c.2708A>T, p.Tyr903Phe (NM_001354918.2); c.2666A>T, p.Tyr889Phe (NM_001083602.3); c.2861A>T, p.Tyr954Phe (NM_001083603.3); short protein forms Y804F, Y889F, Y903F, Y954F, Y955F.
Identifiers: ClinVar variation 1017754 (VCV001017754.12), dbSNP rs1839276876, ClinGen allele CA374112914.